The following is an entry in ClinVar:

NM_001163809.2(WDR81):c.5396G>A (p.Arg1799His)

Gene: WDR81 (WD repeat domain 81; plus strand). Cytogenetic location: 17p13.3.
Variant type: single nucleotide variant.
Coding change: c.5396G>A on transcript NM_001163809.2 (MANE Select); coding-DNA position 5396, G replaced by A.
Protein change: p.Arg1799His; replaces arginine 1799 with histidine.
Molecular consequence: missense variant.
Genome position (GRCh38, 1-based): chr17:1,736,109, G>A. VCF-style: chr17-1736109-G-A. GRCh37 (hg19) VCF-style: chr17-1639403-G-A.
Other names: c.1787G>A, p.Arg596His (NM_001163673.2); c.1715G>A, p.Arg572His (NM_001163811.2); c.2243G>A, p.Arg748His (NM_152348.4); short protein forms R1799H, R572H, R596H, R748H.
Identifiers: ClinVar variation 4529998 (VCV004529998.1).

ClinVar aggregate classification (germline): Uncertain significance (1 of 4 stars; one submission).

Submission:

GeneDx
Classification: Uncertain significance. Last evaluated: 2025-05-17. Review status: criteria provided, single submitter. Criteria: GeneDx Variant Classification Process June 2021. Collection method: clinical testing. Allele origin: germline. Affected: yes.
Comment: Not observed at significant frequency in large population cohorts (gnomAD); In silico analysis suggests that this missense variant does not alter protein structure/function; Has not been previously published as pathogenic or benign to our knowledge